The following is an entry in ClinVar:

NM_007294.4(BRCA1):c.3239dup (p.Leu1080fs)

Genes: BRCA1 (BRCA1 DNA repair associated; minus strand), LOC126862571 (BRD4-independent group 4 enhancer GRCh37_chr17:41243136-41244335; plus strand). Cytogenetic location: 17q21.31.
Variant type: Duplication.
Coding change: c.3239dup on transcript NM_007294.4 (MANE Select); coding-DNA position 3239, one base duplicated (T; older notation c.3239dupT).
Protein change: p.Leu1080fs; shifts the reading frame from leucine 1080.
Molecular consequence: frameshift variant. On other transcripts: intron variant (137).
Genome position (GRCh38, 1-based): chr17:43,092,292, A duplicated on the plus strand (T on the coding strand, the reverse complement: BRCA1 is on the minus strand); the first of 2 consecutive A bases (chr17:43,092,292-43,092,293); duplicating either gives the same sequence. VCF-style (leftmost placement, unchanged base first): chr17-43092291-C-CA. GRCh37 (hg19) VCF-style: chr17-41244308-C-CA.
Other names: c.3098dup, p.Leu1033fs (NM_001407752.1, NM_001407692.1, NM_001407694.1 and 29 more transcripts); c.3239dup, p.Leu1080fs (NM_001407594.1, NM_001407597.1, NM_001407596.1 and 30 more transcripts); c.3095dup, p.Leu1032fs (NM_001407838.1, NM_001407839.1, NM_001407841.1 and 20 more transcripts); c.3236dup, p.Leu1079fs (NM_001407610.1, NM_001407611.1, NM_001407613.1 and 22 more transcripts); c.3230dup, p.Leu1077fs (NM_001407646.1, NM_001407647.1); c.3116dup, p.Leu1039fs (NM_001407648.1, NM_001407664.1, NM_001407665.1 and 19 more transcripts); c.3113dup, p.Leu1038fs (NM_001407649.1, NM_001407670.1, NM_001407671.1 and 11 more transcripts); c.3161dup, p.Leu1054fs (NM_001407653.1, NM_001407654.1, NM_001407655.1 and 4 more transcripts); and 41 more; short protein forms L1012fs, L1032fs, L1077fs, L969fs, L992fs, L1010fs, L1054fs, L1079fs.
Identifiers: ClinVar variation 2769319 (VCV002769319.3), dbSNP rs2552160328, ClinGen allele CA2697559879.

ClinVar aggregate classification (germline): Pathogenic (1 of 4 stars; one submission).

Conditions:
Hereditary breast ovarian cancer syndrome. Also called: Hereditary breast and ovarian cancer syndrome; Hereditary breast and ovarian cancer syndrome (HBOC); BRCA1- and BRCA2-Associated Hereditary Breast and Ovarian Cancer; Hereditary breast and ovarian cancer; Breast and ovarian cancer; Hereditary breast and/or ovarian cancer syndrome. Identifiers: Orphanet 145, MedGen C0677776, MeSH D061325, MONDO:0003582. Disease mechanism: loss of function.

Submission:

Labcorp Genetics (formerly Invitae), Labcorp
Classification: Pathogenic for Hereditary breast ovarian cancer syndrome. Last evaluated: 2023-10-17. Review status: criteria provided, single submitter. Criteria: Invitae Variant Classification Sherloc (09022015). Collection method: clinical testing. Allele origin: germline.
Comment: This sequence change creates a premature translational stop signal (p.Leu1080Phefs*6) in the BRCA1 gene. It is expected to result in an absent or disrupted protein product. Loss-of-function variants in BRCA1 are known to be pathogenic (PMID: 20104584). This variant is not present in population databases (gnomAD no frequency). This variant has not been reported in the literature in individuals affected with BRCA1-related conditions. For these reasons, this variant has been classified as Pathogenic.

Literature cited by the submitters: PubMed 20104584.